The following is an entry in ClinVar:

ClinVar aggregate classification (germline): Uncertain significance (1 of 4 stars; one submission).

Conditions:
Hypertrophic cardiomyopathy 14. Identifiers: MedGen C2750467, MONDO:0013197, OMIM 613251.

Allele frequency attached by ClinVar (database versions not stated): gnomAD exomes below 0.00001; TOPMed below 0.00001; gnomAD 0.00001.
gnomAD v4.1: 2 of 1,614,120 alleles (0.00012%); highest among the groups gnomAD compares: African/African-American, 0.0013%; no homozygotes.

Submission:

Labcorp Genetics (formerly Invitae), Labcorp
Classification: Uncertain significance for Hypertrophic cardiomyopathy 14. Last evaluated: 2023-12-22. Review status: criteria provided, single submitter. Criteria: Invitae Variant Classification Sherloc (09022015). Collection method: clinical testing. Allele origin: germline.
Comment: This sequence change replaces glutamic acid, which is acidic and polar, with lysine, which is basic and polar, at codon 848 of the MYH6 protein (p.Glu848Lys). This variant is not present in population databases (gnomAD no frequency). This variant has not been reported in the literature in individuals affected with MYH6-related conditions. Advanced modeling of protein sequence and biophysical properties (such as structural, functional, and spatial information, amino acid conservation, physicochemical variation, residue mobility, and thermodynamic stability) has been performed at Invitae for this missense variant, however the output from this modeling did not meet the statistical confidence thresholds required to predict the impact of this variant on MYH6 protein function. In summary, the available evidence is currently insufficient to determine the role of this variant in disease. Therefore, it has been classified as a Variant of Uncertain Significance.

NM_002471.4(MYH6):c.2542G>A (p.Glu848Lys)

Gene: MYH6 (myosin heavy chain 6; minus strand). Cytogenetic location: 14q11.2.
Variant type: single nucleotide variant.
Coding change: c.2542G>A on transcript NM_002471.4 (MANE Select); coding-DNA position 2542, G replaced by A.
Protein change: p.Glu848Lys; replaces glutamic acid 848 with lysine.
Molecular consequence: missense variant.
Genome position (GRCh38, 1-based): chr14:23,394,211, C>T on the plus strand (G>A on the coding strand, the complement: MYH6 is on the minus strand). VCF-style: chr14-23394211-C-T. GRCh37 (hg19) VCF-style: chr14-23863420-C-T.
Other names: short protein forms E848K.
Identifiers: ClinVar variation 2836058 (VCV002836058.3), dbSNP rs1297856283, ClinGen allele CA389014406.